The following is an entry in ClinVar:

NM_032888.4(COL27A1):c.4193C>A (p.Ser1398Ter)

Genes: COL27A1 (collagen type XXVII alpha 1 chain; plus strand), LOC126860736 (MED14-independent group 3 enhancer GRCh37_chr9:117050487-117051686; plus strand). Cytogenetic location: 9q32.
Variant type: single nucleotide variant.
Coding change: c.4193C>A on transcript NM_032888.4 (MANE Select); coding-DNA position 4193, C replaced by A.
Protein change: p.Ser1398Ter; replaces serine 1398 with a stop codon.
Molecular consequence: nonsense.
Genome position (GRCh38, 1-based): chr9:114,289,282, C>A. VCF-style: chr9-114289282-C-A. GRCh37 (hg19) VCF-style: chr9-117051562-C-A.
Other names: short protein forms S1398*.
Identifiers: ClinVar variation 2034642 (VCV002034642.4), dbSNP rs199641806, ClinGen allele CA374586904.

ClinVar aggregate classification (germline): Pathogenic (1 of 4 stars; one submission).

Submission:

Labcorp Genetics (formerly Invitae), Labcorp
Classification: Pathogenic. Last evaluated: 2022-10-07. Review status: criteria provided, single submitter. Criteria: Invitae Variant Classification Sherloc (09022015). Collection method: clinical testing. Allele origin: germline.
Comment: For these reasons, this variant has been classified as Pathogenic. This variant has not been reported in the literature in individuals affected with COL27A1-related conditions. This variant is not present in population databases (gnomAD no frequency). This sequence change creates a premature translational stop signal (p.Ser1398*) in the COL27A1 gene. It is expected to result in an absent or disrupted protein product. Loss-of-function variants in COL27A1 are known to be pathogenic (PMID: 24986830, 28276056).

Literature cited by the submitters: PubMed 24986830; PubMed 28276056.